The following is an entry in ClinVar:

ClinVar aggregate classification (germline): Uncertain significance (1 of 4 stars; one submission).

Submission:

Labcorp Genetics (formerly Invitae), Labcorp
Classification: Uncertain significance. Last evaluated: 2022-09-21. Review status: criteria provided, single submitter. Criteria: Invitae Variant Classification Sherloc (09022015). Collection method: clinical testing. Allele origin: germline.
Comment: In summary, the available evidence is currently insufficient to determine the role of this variant in disease. Therefore, it has been classified as a Variant of Uncertain Significance. Algorithms developed to predict the effect of missense changes on protein structure and function are either unavailable or do not agree on the potential impact of this missense change (SIFT: "Deleterious"; PolyPhen-2: "Probably Damaging"; Align-GVGD: "Class C0"). This variant has not been reported in the literature in individuals affected with SPTB-related conditions. This variant is not present in population databases (gnomAD no frequency). This sequence change replaces lysine, which is basic and polar, with threonine, which is neutral and polar, at codon 1244 of the SPTB protein (p.Lys1244Thr).

NM_001355436.2(SPTB):c.3731A>C (p.Lys1244Thr)

Gene: SPTB (spectrin beta, erythrocytic; minus strand). Cytogenetic location: 14q23.3.
Variant type: single nucleotide variant.
Coding change: c.3731A>C on transcript NM_001355436.2 (MANE Select); coding-DNA position 3731, A replaced by C.
Protein change: p.Lys1244Thr; replaces lysine 1244 with threonine.
Molecular consequence: missense variant.
Genome position (GRCh38, 1-based): chr14:64,785,782, T>G on the plus strand (A>C on the coding strand, the complement: SPTB is on the minus strand). VCF-style: chr14-64785782-T-G. GRCh37 (hg19) VCF-style: chr14-65252500-T-G.
Other names: c.3731A>C, p.Lys1244Thr (NM_001024858.4, NM_001355437.2); short protein forms K1244T.
Identifiers: ClinVar variation 1719962 (VCV001719962.5), dbSNP rs2503121598, ClinGen allele CA390045852.